The following is an entry in ClinVar:

NM_000393.5(COL5A2):c.3688A>G (p.Thr1230Ala)

Gene: COL5A2 (collagen type V alpha 2 chain; minus strand). Cytogenetic location: 2q32.2.
Variant type: single nucleotide variant.
Coding change: c.3688A>G on transcript NM_000393.5 (MANE Select); coding-DNA position 3688, A replaced by G.
Protein change: p.Thr1230Ala; replaces threonine 1230 with alanine.
Molecular consequence: missense variant.
Genome position (GRCh38, 1-based): chr2:189,039,509, T>C on the plus strand (A>G on the coding strand, the complement: COL5A2 is on the minus strand). VCF-style: chr2-189039509-T-C. GRCh37 (hg19) VCF-style: chr2-189904235-T-C.
Other names: short protein forms T1230A.
Identifiers: ClinVar variation 1999745 (VCV001999745.4), dbSNP rs767234623, ClinGen allele CA349858015.
Genomic context (GRCh38, chr2:189,039,509, plus strand): 5'-CAGGAAGTGGATCTGGCATGCTTTCATCATAGTGCCCCATGATATCCCCAAGAGCAGCTG[T>C]AAGGTGGCCAGGGGGACCCGGAGGGCCAGGTGGGCCAGGCTCACCAGGAGGGCCCTAATT-3'
Protein context (NP_000384.2, residues 1220-1240): PGPPGPPGHL[Thr1230Ala]AALGDIMGHY

ClinVar aggregate classification (germline): Uncertain significance (1 of 4 stars; one submission).

Conditions:
Ehlers-Danlos syndrome, classic type, 1 (EDSCL1). Also called: EHLERS-DANLOS SYNDROME, GRAVIS TYPE; EHLERS-DANLOS SYNDROME, SEVERE CLASSIC TYPE; Ehlers-Danlos syndrome, type 1; EDS I; Ehlers-Danlos Syndrome, Classic Type, COL5A1-Related. Identifiers: MedGen C0268335, MONDO:0019567, OMIM 130000.

Submission:

Labcorp Genetics (formerly Invitae), Labcorp
Classification: Uncertain significance for Ehlers-Danlos syndrome, classic type, 1. Last evaluated: 2022-05-27. Review status: criteria provided, single submitter. Criteria: Invitae Variant Classification Sherloc (09022015). Collection method: clinical testing. Allele origin: germline.
Comment: In summary, the available evidence is currently insufficient to determine the role of this variant in disease. Therefore, it has been classified as a Variant of Uncertain Significance. Advanced modeling of protein sequence and biophysical properties (such as structural, functional, and spatial information, amino acid conservation, physicochemical variation, residue mobility, and thermodynamic stability) performed at Invitae indicates that this missense variant is not expected to disrupt COL5A2 protein function. This variant has not been reported in the literature in individuals affected with COL5A2-related conditions. This variant is not present in population databases (gnomAD no frequency). This sequence change replaces threonine, which is neutral and polar, with alanine, which is neutral and non-polar, at codon 1230 of the COL5A2 protein (p.Thr1230Ala).